The following is an entry in ClinVar:

ClinVar aggregate classification (germline): Uncertain significance (1 of 4 stars; one submission).

Submission:

Labcorp Genetics (formerly Invitae), Labcorp
Classification: Uncertain significance. Last evaluated: 2022-07-25. Review status: criteria provided, single submitter. Criteria: Invitae Variant Classification Sherloc (09022015). Collection method: clinical testing. Allele origin: germline.
Comment: In summary, the available evidence is currently insufficient to determine the role of this variant in disease. Therefore, it has been classified as a Variant of Uncertain Significance. Algorithms developed to predict the effect of missense changes on protein structure and function output the following: SIFT: "Tolerated"; PolyPhen-2: "Benign"; Align-GVGD: "Class C0". The serine amino acid residue is found in multiple mammalian species, which suggests that this missense change does not adversely affect protein function. This variant has not been reported in the literature in individuals affected with ZNF469-related conditions. This variant is not present in population databases (gnomAD no frequency). This sequence change replaces proline, which is neutral and non-polar, with serine, which is neutral and polar, at codon 535 of the ZNF469 protein (p.Pro535Ser).

NM_001367624.2(ZNF469):c.1603C>T (p.Pro535Ser)

Gene: ZNF469 (zinc finger protein 469; plus strand). Cytogenetic location: 16q24.2.
Variant type: single nucleotide variant.
Coding change: c.1603C>T on transcript NM_001367624.2 (MANE Select); coding-DNA position 1603, C replaced by T.
Protein change: p.Pro535Ser; replaces proline 535 with serine.
Molecular consequence: missense variant.
Genome position (GRCh38, 1-based): chr16:88,429,073, C>T. VCF-style: chr16-88429073-C-T. GRCh37 (hg19) VCF-style: chr16-88495481-C-T.
Other names: short protein forms P535S.
Identifiers: ClinVar variation 2417854 (VCV002417854.6), dbSNP rs1478054934, ClinGen allele CA397067876.